The following is an entry in ClinVar:

NM_032043.3(BRIP1):c.603del (p.Lys201_Ile202insTer)

Gene: BRIP1 (BRCA1 interacting DNA helicase 1; minus strand). Cytogenetic location: 17q23.2.
Variant type: Deletion.
Coding change: c.603del on transcript NM_032043.3 (MANE Select); coding-DNA position 603, one base deleted (G; older notation c.603delG).
Protein change: p.Lys201_Ile202insTer.
Molecular consequence: frameshift variant.
Genome position (GRCh38, 1-based): chr17:61,847,125, C deleted on the plus strand (G on the coding strand, the reverse complement: BRIP1 is on the minus strand). VCF-style (leftmost placement, unchanged base first): chr17-61847124-TC-T. GRCh37 (hg19) VCF-style: chr17-59924485-TC-T.
Identifiers: ClinVar variation 2129486 (VCV002129486.4), dbSNP rs2545405505, ClinGen allele CA2580094481.
Genomic context (GRCh38, chr17:61,847,124, plus strand): 5'-TCCTTCTTTAAAACTGAACAATGGCATTAATACATACTTTCTGTGGCGAAAAGGAGTTTA[TC>T]TTTTCCAGTGGAGAGTTGAGTTTTACAGTCTTTCCTGAATCAACTTTTGCATCCAAATTG-3'

ClinVar aggregate classification (germline): Pathogenic (1 of 4 stars; one submission).

Conditions:
Familial cancer of breast. Also called: BREAST CANCER, FAMILIAL; Hereditary breast cancer; hereditary breast carcinoma. Identifiers: Orphanet 227535, MedGen C0346153, MONDO:0016419, OMIM 114480. Disease mechanism: loss of function.
Fanconi anemia complementation group J. Also called: BRIP1-Related Fanconi Anemia. Identifiers: Orphanet 84, MedGen C1836860, MONDO:0012187, OMIM 609054.

Submission:

Labcorp Genetics (formerly Invitae), Labcorp
Classification: Pathogenic for Familial cancer of breast; Fanconi anemia complementation group J. Last evaluated: 2022-09-12. Review status: criteria provided, single submitter. Criteria: Invitae Variant Classification Sherloc (09022015). Collection method: clinical testing. Allele origin: germline.
Comment: For these reasons, this variant has been classified as Pathogenic. This variant has not been reported in the literature in individuals affected with BRIP1-related conditions. This variant is not present in population databases (gnomAD no frequency). This sequence change creates a premature translational stop signal (p.Ile202*) in the BRIP1 gene. It is expected to result in an absent or disrupted protein product. Loss-of-function variants in BRIP1 are known to be pathogenic (PMID: 16116423, 17033622, 21964575).

Literature cited by the submitters: PubMed 16116423; PubMed 17033622; PubMed 21964575.